The following is an entry in ClinVar:

NM_001256627.2(BRSK2):c.1011C>T (p.Leu337=)

Gene: BRSK2 (BR serine/threonine kinase 2; plus strand). Cytogenetic location: 11p15.5.
Variant type: single nucleotide variant.
Coding change: c.1011C>T on transcript NM_001256627.2 (MANE Select); coding-DNA position 1011, C replaced by T.
Protein change: p.Leu337=; no amino-acid change (leucine 337 retained).
Molecular consequence: synonymous variant. On other transcripts: non-coding transcript variant (1).
Genome position (GRCh38, 1-based): chr11:1,445,604, C>T. VCF-style: chr11-1445604-C-T. GRCh37 (hg19) VCF-style: chr11-1466834-C-T.
Other names: c.1011C>T, p.Leu337= (NM_001256629.2, NM_003957.4); c.1149C>T, p.Leu383= (NM_001256630.1); c.831C>T, p.Leu277= (NM_001282218.2).
Identifiers: ClinVar variation 3052566 (VCV003052566.2), dbSNP rs181732413, ClinGen allele CA5810782.

ClinVar aggregate classification (germline): Likely benign (0 of 4 stars; one submission).

Conditions:
BRSK2-related disorder. Also called: BRSK2-related condition; BRSK2-Related Disorders.

Allele frequency attached by ClinVar (database versions not stated): gnomAD 0.00029; ExAC 0.00039; TOPMed 0.00049; 1000 Genomes Project 0.00160; 1000 Genomes Project 30x 0.00219.
gnomAD v4.1: 383 of 1,573,544 alleles (0.024%); highest among the groups gnomAD compares: Admixed American, 0.24%; 1 homozygote.

Submission:

PreventionGenetics, part of Exact Sciences
Classification: Likely benign for BRSK2-related condition. Last evaluated: 2019-11-26. Review status: no assertion criteria provided. Collection method: clinical testing. Allele origin: germline.
Comment: This variant is classified as likely benign based on ACMG/AMP sequence variant interpretation guidelines (Richards et al. 2015 PMID: 25741868, with internal and published modifications).